The following is an entry in ClinVar:

ClinVar aggregate classification (germline): Benign/Likely benign. Review status: criteria provided, multiple submitters, no conflicts (2 of 4 stars). 3 submissions from 3 submitters: Benign (1); Likely benign (2). Last evaluated 2025-11-02.

Conditions:
Hereditary cancer-predisposing syndrome. Also called: Tumor predisposition; Hereditary Cancer Syndrome; Neoplastic Syndromes, Hereditary; Hereditary neoplastic syndrome. Identifiers: Orphanet 140162, MedGen C0027672, MeSH D009386, MONDO:0015356.
Birt-Hogg-Dube syndrome. Also called: Birt Hogg Dubé syndrome. Identifiers: Orphanet 122, MedGen C0346010, MONDO:0800444.
Birt-Hogg-Dube syndrome 1 (BHD1). Also called: FIBROFOLLICULOMAS WITH TRICHODISCOMAS AND ACROCHORDONS. Identifiers: Orphanet 122, MedGen CN375946, MONDO:0800445, OMIM 135150.

Submissions (3):

Labcorp Genetics (formerly Invitae), Labcorp
Classification: Likely benign for Birt-Hogg-Dube syndrome. Last evaluated: 2025-11-02. Review status: criteria provided, single submitter. Criteria: Invitae Variant Classification Sherloc (09022015). Collection method: clinical testing. Allele origin: germline.

Myriad Genetics, Inc.
Classification: Benign for Birt-Hogg-Dube syndrome 1. Last evaluated: 2024-10-23. Review status: criteria provided, single submitter. Criteria: Myriad Autosomal Dominant, Autosomal Recessive and X-Linked Classification Criteria (2023). Collection method: clinical testing. Allele origin: unknown.
Comment: This variant is considered benign. This variant is a silent/synonymous amino acid change and it is not expected to impact splicing.

Ambry Genetics
Classification: Likely benign for Hereditary cancer-predisposing syndrome. Last evaluated: 2022-12-12. Review status: criteria provided, single submitter. Criteria: Ambry Variant Classification Scheme 2023. Collection method: clinical testing. Allele origin: germline.

NM_144997.7(FLCN):c.567_568delinsTT (p.Leu189_Leu190=)

Gene: FLCN (folliculin; minus strand). Cytogenetic location: 17p11.2.
Variant type: Indel.
Coding change: c.567_568delinsTT on transcript NM_144997.7 (MANE Select); coding-DNA positions 567 to 568, GC replaced by TT.
Protein change: p.Leu189_Leu190=.
Molecular consequence: synonymous variant.
Genome position (GRCh38, 1-based): chr17:17,223,972-17,223,973, GC replaced by AA on the plus strand (GC replaced by TT on the coding strand, the reverse complement: FLCN is on the minus strand). VCF-style: chr17-17223972-GC-AA. GRCh37 (hg19) VCF-style: chr17-17127286-GC-AA.
Other names: c.567_568delinsTT (NM_144997.5); c.621_622delinsTT, p.Leu207_Leu208= (NM_001353229.2); c.567_568delinsTT, p.Leu189_Leu190= (NM_001353230.2, NM_001353231.2, NM_144606.7).
Identifiers: ClinVar variation 765730 (VCV000765730.12), dbSNP rs1597606495, ClinGen allele CA915949605.
Genomic context (GRCh38, chr17:17,223,972, plus strand): 5'-CTGAATTCACCTTGAGCGCCTTGCCCTGGAGCTCATCGATGATTCCCCGGACCTTCCCCA[GC>AA]AGGAAGGGCCAGGAGTTGATGAGGTAGATCCGGTCCATCATGATGGTGATGATGCTGTAC-3'